The following is an entry in ClinVar:

NM_024996.7(GFM1):c.247_248del (p.Asp83fs)

Gene: GFM1 (G elongation factor mitochondrial 1; plus strand). Cytogenetic location: 3q25.32.
Variant type: Deletion.
Coding change: c.247_248del on transcript NM_024996.7 (MANE Select); coding-DNA positions 247 to 248, 2 bases deleted (GA; older notation c.247_248delGA).
Protein change: p.Asp83fs; shifts the reading frame from aspartic acid 83.
Molecular consequence: frameshift variant. On other transcripts: non-coding transcript variant (3), intron variant (4).
Genome position (GRCh38, 1-based): chr3:158,646,177-158,646,178, GA deleted; deleting any 2 consecutive bases within chr3:158,646,176-158,646,178 gives the same sequence; the c. name uses the placement nearest the transcript's 3' end. VCF-style (leftmost placement, unchanged base first): chr3-158646175-AAG-A. GRCh37 (hg19) VCF-style: chr3-158363964-AAG-A.
Other names: c.247_248del, p.Asp83fs (NM_001308164.2, NM_001308166.2, NM_001374355.1 and 1 more transcripts); c.22_23del, p.Asp8fs (NM_001374357.1); c.5+396_5+397del (NM_001374359.1, NM_001374360.1, NM_001374361.1); c.234+396_234+397del (NM_001374358.1); short protein forms D83fs, D8fs.
Identifiers: ClinVar variation 936188 (VCV000936188.8), dbSNP rs1721780124, ClinGen allele CA1139658318.

ClinVar aggregate classification (germline): Pathogenic/Likely pathogenic. Review status: criteria provided, multiple submitters, no conflicts (2 of 4 stars). 2 submissions from 2 submitters: Pathogenic (1); Likely pathogenic (1). Last evaluated 2023-10-06.

Conditions:
Hepatoencephalopathy due to combined oxidative phosphorylation defect type 1. Also called: HEPATOENCEPHALOPATHY, EARLY FATAL PROGRESSIVE. Identifiers: Orphanet 137681, MedGen C1836797, MONDO:0012191, OMIM 609060.

Submissions (2):

Baylor Genetics
Classification: Likely pathogenic for Hepatoencephalopathy due to combined oxidative phosphorylation defect type 1. Last evaluated: 2023-10-06. Review status: criteria provided, single submitter. Criteria: ACMG Guidelines, 2015. Collection method: clinical testing. Allele origin: unknown.

Labcorp Genetics (formerly Invitae), Labcorp
Classification: Pathogenic. Last evaluated: 2022-12-29. Review status: criteria provided, single submitter. Criteria: Invitae Variant Classification Sherloc (09022015). Collection method: clinical testing. Allele origin: germline.
Comment: For these reasons, this variant has been classified as Pathogenic. ClinVar contains an entry for this variant (Variation ID: 936188). This variant has not been reported in the literature in individuals affected with GFM1-related conditions. This variant is not present in population databases (gnomAD no frequency). This sequence change creates a premature translational stop signal (p.Asp83Trpfs*34) in the GFM1 gene. It is expected to result in an absent or disrupted protein product. Loss-of-function variants in GFM1 are known to be pathogenic (PMID: 16632485, 17160893).

Literature cited by the submitters: PubMed 16632485 (cited by Labcorp Genetics (formerly Invitae), Labcorp); PubMed 17160893 (cited by Labcorp Genetics (formerly Invitae), Labcorp).